The following is an entry in ClinVar:

NM_018960.6(GNMT):c.25C>G (p.Arg9Gly)

Genes: CNPY3-GNMT (CNPY3-GNMT readthrough; plus strand), GNMT (glycine N-methyltransferase; plus strand). Cytogenetic location: 6p21.1.
Variant type: single nucleotide variant.
Coding change: c.25C>G on transcript NM_018960.6 (MANE Select); coding-DNA position 25, C replaced by G.
Protein change: p.Arg9Gly; replaces arginine 9 with glycine.
Molecular consequence: missense variant. On other transcripts: non-coding transcript variant (1), intron variant (3).
Genome position (GRCh38, 1-based): chr6:42,960,792, C>G. VCF-style: chr6-42960792-C-G. GRCh37 (hg19) VCF-style: chr6-42928530-C-G.
Other names: c.25C>G, p.Arg9Gly (NM_001318865.2); c.9-1420C>G (NM_001318856.2); c.152-1970C>G (NM_001318857.2, NM_001318858.2); short protein forms R9G.
Identifiers: ClinVar variation 848514 (VCV000848514.8), dbSNP rs1769327543, ClinGen allele CA364143100.

ClinVar aggregate classification (germline): Uncertain significance (1 of 4 stars; one submission).

Submission:

Labcorp Genetics (formerly Invitae), Labcorp
Classification: Uncertain significance. Last evaluated: 2019-02-14. Review status: criteria provided, single submitter. Criteria: Invitae Variant Classification Sherloc (09022015). Collection method: clinical testing. Allele origin: germline.
Comment: The frequency data for this variant in the population databases is considered unreliable, as metrics indicate insufficient coverage at this position in the ExAC database. This variant has not been reported in the literature in individuals with GNMT-related conditions. Algorithms developed to predict the effect of missense changes on protein structure and function are either unavailable or do not agree on the potential impact of this missense change (SIFT: "Not Available"; PolyPhen-2: "Probably Damaging"; Align-GVGD: "Not Available"). In summary, the available evidence is currently insufficient to determine the role of this variant in disease. Therefore, it has been classified as a Variant of Uncertain Significance. This sequence change replaces arginine with glycine at codon 9 of the GNMT protein (p.Arg9Gly). The arginine residue is highly conserved and there is a moderate physicochemical difference between arginine and glycine.